The following is an entry in ClinVar:

NM_001128178.3(NPHP1):c.1565C>T (p.Ser522Phe)

Gene: NPHP1 (nephrocystin 1; minus strand). Cytogenetic location: 2q13.
Variant type: single nucleotide variant.
Coding change: c.1565C>T on transcript NM_001128178.3 (MANE Select); coding-DNA position 1565, C replaced by T.
Protein change: p.Ser522Phe; replaces serine 522 with phenylalanine.
Molecular consequence: missense variant.
Genome position (GRCh38, 1-based): chr2:110,131,756, G>A on the plus strand (C>T on the coding strand, the complement: NPHP1 is on the minus strand). VCF-style: chr2-110131756-G-A. GRCh37 (hg19) VCF-style: chr2-110889333-G-A.
Other names: c.1733C>T, p.Ser578Phe (NM_000272.5); c.1376C>T, p.Ser459Phe (NM_001128179.3); c.1562C>T, p.Ser521Phe (NM_001374256.1); c.1565C>T, p.Ser522Phe (NM_001374257.1); c.1730C>T, p.Ser577Phe (NM_207181.4); c.1733C>T (NM_000272.3); short protein forms S459F, S521F, S522F, S577F, S578F.
Identifiers: ClinVar variation 1006588 (VCV001006588.8), dbSNP rs756812918, ClinGen allele CA1826970.

ClinVar aggregate classification (germline): Uncertain significance. Review status: criteria provided, multiple submitters, no conflicts (2 of 4 stars). 3 submissions from 3 submitters: Uncertain significance (3). Last evaluated 2026-09-17.

Conditions:
NPHP1-related disorder. Also called: NPHP1-related disorders; NPHP1-related condition.
Inborn genetic diseases. Identifiers: MedGen C0950123, MeSH D030342.
Nephronophthisis. Also called: Juvenile Nephronophthisis. Identifiers: Orphanet 655, MedGen C0687120, MONDO:0019005, HP:0000090.

Allele frequency attached by ClinVar (database versions not stated): gnomAD 0.00001; TOPMed 0.00001; gnomAD exomes 0.00004; ExAC 0.00007.

Submissions (3):

PreventionGenetics, part of Exact Sciences
Classification: Uncertain significance for NPHP1-related condition. Last evaluated: 2026-09-17. Review status: criteria provided, single submitter. Criteria: ACMG Guidelines, 2015. Collection method: clinical testing. Allele origin: germline.
Comment: The NPHP1 c.1733C>T variant is predicted to result in the amino acid substitution p.Ser578Phe. To our knowledge, this variant has not been reported in the literature. This variant is reported in 0.0070% of alleles in individuals of European (Non-Finnish) descent in gnomAD. At this time, the clinical significance of this variant is uncertain due to the absence of conclusive functional and genetic evidence.

Ambry Genetics
Classification: Uncertain significance for Inborn genetic diseases. Last evaluated: 2025-09-10. Review status: criteria provided, single submitter. Criteria: Ambry Variant Classification Scheme 2023. Collection method: clinical testing. Allele origin: germline.

Labcorp Genetics (formerly Invitae), Labcorp
Classification: Uncertain significance for Nephronophthisis. Last evaluated: 2022-08-23. Review status: criteria provided, single submitter. Criteria: Invitae Variant Classification Sherloc (09022015). Collection method: clinical testing. Allele origin: germline.
Comment: This sequence change replaces serine, which is neutral and polar, with phenylalanine, which is neutral and non-polar, at codon 578 of the NPHP1 protein (p.Ser578Phe). This variant is present in population databases (rs756812918, gnomAD 0.006%). This variant has not been reported in the literature in individuals affected with NPHP1-related conditions. ClinVar contains an entry for this variant (Variation ID: 1006588). Algorithms developed to predict the effect of missense changes on protein structure and function (SIFT, PolyPhen-2, Align-GVGD) all suggest that this variant is likely to be tolerated. In summary, the available evidence is currently insufficient to determine the role of this variant in disease. Therefore, it has been classified as a Variant of Uncertain Significance.